The following is an entry in ClinVar:

NM_031935.3(HMCN1):c.10463G>T (p.Gly3488Val)

Gene: HMCN1 (hemicentin 1; plus strand). Cytogenetic location: 1q31.1.
Variant type: single nucleotide variant.
Coding change: c.10463G>T on transcript NM_031935.3 (MANE Select); coding-DNA position 10463, G replaced by T.
Protein change: p.Gly3488Val; replaces glycine 3488 with valine.
Molecular consequence: missense variant.
Genome position (GRCh38, 1-based): chr1:186,095,411, G>T. VCF-style: chr1-186095411-G-T. GRCh37 (hg19) VCF-style: chr1-186064543-G-T.
Other names: short protein forms G3488V.
Identifiers: ClinVar variation 2755634 (VCV002755634.3), dbSNP rs2527934050, ClinGen allele CA343930889.

ClinVar aggregate classification (germline): Uncertain significance (1 of 4 stars; one submission).

Submission:

Labcorp Genetics (formerly Invitae), Labcorp
Classification: Uncertain significance. Last evaluated: 2024-05-23. Review status: criteria provided, single submitter. Criteria: Invitae Variant Classification Sherloc (09022015). Collection method: clinical testing. Allele origin: germline.
Comment: This sequence change replaces glycine, which is neutral and non-polar, with valine, which is neutral and non-polar, at codon 3488 of the HMCN1 protein (p.Gly3488Val). This variant is not present in population databases (gnomAD no frequency). This variant has not been reported in the literature in individuals affected with HMCN1-related conditions. An algorithm developed to predict the effect of missense changes on protein structure and function (PolyPhen-2) suggests that this variant is likely to be tolerated. Algorithms developed to predict the effect of sequence changes on RNA splicing suggest that this variant may create or strengthen a splice site. In summary, the available evidence is currently insufficient to determine the role of this variant in disease. Therefore, it has been classified as a Variant of Uncertain Significance.